The following is an entry in ClinVar:

NM_138413.4(HOGA1):c.135del (p.Phe46fs)

Gene: HOGA1 (4-hydroxy-2-oxoglutarate aldolase 1; plus strand). Cytogenetic location: 10q24.2.
Variant type: Deletion.
Coding change: c.135del on transcript NM_138413.4 (MANE Select); coding-DNA position 135, one base deleted (C; older notation c.135delC).
Protein change: p.Phe46fs; shifts the reading frame from phenylalanine 46.
Molecular consequence: frameshift variant.
Genome position (GRCh38, 1-based): chr10:97,584,838, C deleted; the last of 5 consecutive C bases (chr10:97,584,834-97,584,838); deleting any one gives the same sequence. VCF-style (leftmost placement, unchanged base first): chr10-97584833-AC-A. GRCh37 (hg19) VCF-style: chr10-99344590-AC-A.
Other names: c.135del, p.Phe46fs (NM_001134670.2); short protein forms F46fs.
Identifiers: ClinVar variation 4816524 (VCV004816524.2).

ClinVar aggregate classification (germline): Pathogenic/Likely pathogenic. Review status: criteria provided, multiple submitters, no conflicts (2 of 4 stars). 2 submissions from 2 submitters: Pathogenic (1); Likely pathogenic (1). Last evaluated 2025-11-04.

Conditions:
Primary hyperoxaluria type 3. Also called: PH III. Identifiers: Orphanet 416, Orphanet 93600, MedGen C3150878, MONDO:0013327, OMIM 613616. Disease mechanism: loss of function.

Submissions (2):

Natera, Inc.
Classification: Likely pathogenic for Primary hyperoxaluria type III. Last evaluated: 2025-11-04. Review status: criteria provided, single submitter. Criteria: Natera Variant Classification Schema (03/2026). Collection method: clinical testing. Allele origin: germline.
Comment: The c.135del variant in HOGA1 is a frameshift variant predicted to shift the reading frame beginning at codon 46 and leads to a stop codon 39 codons downstream. This variant is expected to result in nonsense mediated decay, truncation, or a dysfunctional protein product. This variant is rare in the general population with a frequency below the threshold expected for the associated phenotype(s). Given the available evidence, this variant is classified as Likely Pathogenic.

Myriad Genetics, Inc.
Classification: Pathogenic for Primary hyperoxaluria type 3. Last evaluated: 2025-10-13. Review status: criteria provided, single submitter. Criteria: Myriad Autosomal Dominant, Autosomal Recessive and X-Linked Classification Criteria (2023). Collection method: clinical testing. Allele origin: unknown.
Comment: NM_138413.3(HOGA1):c.135delC(F46Sfs*39) is a frameshift variant classified as pathogenic in the context of primary hyperoxaluria type 3. F46Sfs*39 has not been observed in cases with relevant disease. Relevant functional assessments of this variant are not available in the literature. F46Sfs*3 has not been observed in referenced population frequency databases. In summary, NM_138413.3(HOGA1):c.135delC(F46Sfs*39) is a frameshift variant in a gene where loss of function is a known mechanism of disease and is predicted to disrupt protein function. Please note: this variant was assessed in the context of healthy population screening.